The following is an entry in ClinVar:

NM_138295.5(PKD1L1):c.3994C>T (p.Arg1332Cys)

Gene: PKD1L1 (polycystin 1 like 1, transient receptor potential channel interacting; minus strand). Cytogenetic location: 7p12.3.
Variant type: single nucleotide variant.
Coding change: c.3994C>T on transcript NM_138295.5 (MANE Select); coding-DNA position 3994, C replaced by T.
Protein change: p.Arg1332Cys; replaces arginine 1332 with cysteine.
Molecular consequence: missense variant.
Genome position (GRCh38, 1-based): chr7:47,866,517, G>A on the plus strand (C>T on the coding strand, the complement: PKD1L1 is on the minus strand). VCF-style: chr7-47866517-G-A. GRCh37 (hg19) VCF-style: chr7-47906115-G-A.
Other names: c.3994C>T (NM_138295.3); short protein forms R1332C.
Identifiers: ClinVar variation 2582344 (VCV002582344.6), dbSNP rs148086331, ClinGen allele CA4253243.

ClinVar aggregate classification (germline): Uncertain significance. Review status: criteria provided, multiple submitters, no conflicts (2 of 4 stars). 4 submissions from 4 submitters: Uncertain significance (4). Last evaluated 2026-07-23.

Conditions:
PKD1L1-related disorder. Also called: PKD1L1-related condition.
Heterotaxy, visceral, 8, autosomal (HTX8). Identifiers: MedGen C4310668, MONDO:0014967, OMIM 617205.

Allele frequency attached by ClinVar (database versions not stated): ESP Exome Variant Server 0.00008; ExAC 0.00009; gnomAD 0.00017; TOPMed 0.00017.
gnomAD v4.1: 328 of 1,613,942 alleles (0.02%); highest among the groups gnomAD compares: Middle Eastern, 0.28%; no homozygotes.

Submissions (4):

PreventionGenetics, part of Exact Sciences
Classification: Uncertain significance for PKD1L1-related condition. Last evaluated: 2026-07-23. Review status: criteria provided, single submitter. Criteria: ACMG Guidelines, 2015. Collection method: clinical testing. Allele origin: germline.
Comment: The PKD1L1 c.3994C>T variant is predicted to result in the amino acid substitution p.Arg1332Cys. This variant has been previously reported as a variant of uncertain significance in a fetus with complex cardiac malformations and abdominal situs inversus (Supporting Tables S1 and S4, Liu et al. 2020. PubMed ID: 33131162). At PreventionGenetics, this variant has been identified in several other patients being tested for cholestasis and or heterotaxy with the c.8132G>A variant and sequencing analysis demonstrated that the two variants were on the same allele (i.e, in cis) in three individuals. This variant is reported in 0.054% of alleles in individuals of Latino descent in gnomAD. At this time, the clinical significance of this variant is uncertain due to the absence of conclusive functional and genetic evidence.

Labcorp Genetics (formerly Invitae), Labcorp
Classification: Uncertain significance. Last evaluated: 2025-08-20. Review status: criteria provided, single submitter. Criteria: Invitae Variant Classification Sherloc (09022015). Collection method: clinical testing. Allele origin: germline.
Comment: This sequence change replaces arginine, which is basic and polar, with cysteine, which is neutral and slightly polar, at codon 1332 of the PKD1L1 protein (p.Arg1332Cys). This variant is present in population databases (rs148086331, gnomAD 0.05%). This missense change has been observed in individual(s) with congenital heart defect with heterotaxy (PMID: 33131162). ClinVar contains an entry for this variant (Variation ID: 2582344). An algorithm developed to predict the effect of missense changes on protein structure and function outputs the following: PolyPhen-2: "Benign". The cysteine amino acid residue is found in multiple mammalian species, which suggests that this missense change does not adversely affect protein function. In summary, the available evidence is currently insufficient to determine the role of this variant in disease. Therefore, it has been classified as a Variant of Uncertain Significance.

Blueprint Genetics
Classification: Uncertain significance. Last evaluated: 2024-10-15. Review status: criteria provided, single submitter. Criteria: ACMG Guidelines, 2015. Collection method: clinical testing. Allele origin: germline.

Baylor Genetics
Classification: Uncertain significance for Heterotaxy, visceral, 8, autosomal. Last evaluated: 2023-07-14. Review status: criteria provided, single submitter. Criteria: ACMG Guidelines, 2015. Collection method: clinical testing. Allele origin: unknown.

Literature cited by the submitters: PubMed 33131162 (cited by Labcorp Genetics (formerly Invitae), Labcorp).